The following is an entry in ClinVar:

NM_004489.5(GPS2):c.94+1G>A

Gene: GPS2 (G protein pathway suppressor 2; minus strand). Cytogenetic location: 17p13.1.
Variant type: single nucleotide variant.
Coding change: c.94+1G>A on transcript NM_004489.5 (MANE Select); the canonical splice donor site of the intron after coding-DNA position 94, G replaced by A.
Molecular consequence: splice donor variant.
Genome position (GRCh38, 1-based): chr17:7,314,958, C>T on the plus strand (G>A on the coding strand, the complement: GPS2 is on the minus strand). VCF-style: chr17-7314958-C-T. GRCh37 (hg19) VCF-style: chr17-7218277-C-T.
Identifiers: ClinVar variation 4530523 (VCV004530523.1).

ClinVar aggregate classification (somatic clinical impact): Tier II - Potential (1 of 4 stars; one submission).

Conditions:
Medulloblastoma non-WNT/non-SHH group 3. Identifiers: MedGen C4330665, MONDO:0956966.

Submission:

Institute for Genomic Medicine (IGM) Clinical Laboratory, Nationwide Children's Hospital
Classification: Tier II - Potential for Medulloblastoma non-WNT/non-SHH group 3. Assertion type: diagnostic. Clinical significance: supports diagnosis. Last evaluated: 2022-10-11. Review status: criteria provided, single submitter. Criteria: AMP/ASCO/CAP Guidelines, 2017. Collection method: clinical testing. Allele origin: somatic. Affected: yes.
Comment: Variant has Tier II (potential) clinical significance as a diagnostic inclusion criterion in medulloblastoma non-WNT/non-SHH group 3, based on the following evidence: 1) Documented in one or more cancer databases (e.g., St. Jude Pecan, COSMIC, CIViC, OncoKB). 2) Assists in diagnosis alone or along with other biomarkers based on small studies or few case reports (Evidence Level D).